The following is an entry in ClinVar:

ClinVar aggregate classification (germline): Likely benign. Review status: criteria provided, multiple submitters, no conflicts (2 of 4 stars). 2 submissions from 2 submitters: Likely benign (2). Last evaluated 2025-10-10.

Allele frequency attached by ClinVar (database versions not stated): TOPMed 0.00002; gnomAD 0.00003; gnomAD exomes 0.00004; ExAC 0.00009.

Submissions (2):

Labcorp Genetics (formerly Invitae), Labcorp
Classification: Likely benign. Last evaluated: 2025-10-10. Review status: criteria provided, single submitter. Criteria: Invitae Variant Classification Sherloc (09022015). Collection method: clinical testing. Allele origin: germline.

CeGaT Center for Human Genetics Tuebingen
Classification: Likely benign. Last evaluated: 2024-08-01. Review status: criteria provided, single submitter. Criteria: CeGaT Center For Human Genetics Tuebingen Variant Classification Criteria Version 2. Collection method: clinical testing. Allele origin: germline. Affected: yes. Observed: 1 variant allele.
Comment: ZMYND11: BP4, BP7

NM_001370100.5(ZMYND11):c.1122G>A (p.Glu374=)

Gene: ZMYND11 (zinc finger MYND-type containing 11; plus strand). Cytogenetic location: 10p15.3.
Variant type: single nucleotide variant.
Coding change: c.1122G>A on transcript NM_001370100.5 (MANE Select); coding-DNA position 1122, G replaced by A.
Protein change: p.Glu374=; no amino-acid change (glutamic acid 374 retained).
Molecular consequence: synonymous variant. On other transcripts: non-coding transcript variant (1).
Genome position (GRCh38, 1-based): chr10:246,937, G>A. VCF-style: chr10-246937-G-A. GRCh37 (hg19) VCF-style: chr10-292877-G-A.
Other names: c.1122G>A, p.Glu374= (NM_001161482.1, NM_001202468.1, NM_001370097.3 and 6 more transcripts); c.960G>A, p.Glu320= (NM_001202464.3, NM_001202467.1, NM_001370103.2 and 6 more transcripts); c.867G>A, p.Glu289= (NM_001202465.3, NM_001370110.2); c.957G>A, p.Glu319= (NM_001202466.3, NM_001370111.2); c.1071G>A, p.Glu357= (NM_001330057.3, NM_001370112.2); c.1029G>A, p.Glu343= (NM_001370113.2, NM_001370114.2); c.1119G>A, p.Glu373= (NM_001370115.2, NM_212479.4); c.1056G>A, p.Glu352= (NM_001370116.2); and 7 more.
Identifiers: ClinVar variation 2418187 (VCV002418187.23), dbSNP rs773005315, ClinGen allele CA5379157.